The following is an entry in ClinVar:

NM_152866.3(MS4A1):c.666A>G (p.Arg222=)

Gene: MS4A1 (membrane spanning 4-domains A1; plus strand). Cytogenetic location: 11q12.2.
Variant type: single nucleotide variant.
Coding change: c.666A>G on transcript NM_152866.3 (MANE Select); coding-DNA position 666, A replaced by G.
Protein change: p.Arg222=; no amino-acid change (arginine 222 retained).
Molecular consequence: synonymous variant.
Genome position (GRCh38, 1-based): chr11:60,467,051, A>G. VCF-style: chr11-60467051-A-G. GRCh37 (hg19) VCF-style: chr11-60234524-A-G.
Other names: c.666A>G, p.Arg222= (NM_021950.4, NM_152867.2).
Identifiers: ClinVar variation 2164037 (VCV002164037.6), dbSNP rs202117565, ClinGen allele CA222765189.

ClinVar aggregate classification (germline): Likely benign. Review status: criteria provided, single submitter (1 of 4 stars). 2 submissions from 2 submitters: Likely benign (1). 1 of the submissions does not count toward it. Last evaluated 2022-10-13.

Conditions:
MS4A1-related disorder. Also called: MS4A1-related condition.

Allele frequency attached by ClinVar (database versions not stated): TOPMed below 0.00001; gnomAD exomes 0.00001; gnomAD 0.00003.
gnomAD v4.1: 24 of 1,614,032 alleles (0.0015%); highest among the groups gnomAD compares: Middle Eastern, 0.23%; 1 homozygote.

Submissions (2):

Labcorp Genetics (formerly Invitae), Labcorp
Classification: Likely benign. Last evaluated: 2022-10-13. Review status: criteria provided, single submitter. Criteria: Invitae Variant Classification Sherloc (09022015). Collection method: clinical testing. Allele origin: germline.

PreventionGenetics, part of Exact Sciences
Classification: Likely benign for MS4A1-related condition. Last evaluated: 2020-02-28. Review status: no assertion criteria provided. Collection method: clinical testing. Allele origin: germline. Not counted in ClinVar's aggregate classification.
Comment: This variant is classified as likely benign based on ACMG/AMP sequence variant interpretation guidelines (Richards et al. 2015 PMID: 25741868, with internal and published modifications).